The following is an entry in ClinVar:

ClinVar aggregate classification (germline): Uncertain significance (1 of 4 stars; one submission).

Conditions:
Gorlin syndrome. Also called: Nevoid Basal Cell Carcinoma Syndrome; Basal cell nevus syndrome. Identifiers: Orphanet 377, MedGen C0004779, MONDO:0007187.

Allele frequency attached by ClinVar (database versions not stated): ExAC 0.00001; gnomAD exomes 0.00001; gnomAD 0.00002; TOPMed 0.00002.
gnomAD v4.1: 14 of 1,614,104 alleles (0.00087%); highest among the groups gnomAD compares: Admixed American, 0.0083%; no homozygotes.

Submission:

Labcorp Genetics (formerly Invitae), Labcorp
Classification: Uncertain significance for Gorlin syndrome. Last evaluated: 2019-10-19. Review status: criteria provided, single submitter. Criteria: Invitae Variant Classification Sherloc (09022015). Collection method: clinical testing. Allele origin: germline.
Comment: This sequence change replaces arginine with tryptophan at codon 1050 of the PTCH2 protein (p.Arg1050Trp). The arginine residue is moderately conserved and there is a moderate physicochemical difference between arginine and tryptophan. In summary, the available evidence is currently insufficient to determine the role of this variant in disease. Therefore, it has been classified as a Variant of Uncertain Significance. Algorithms developed to predict the effect of missense changes on protein structure and function are either unavailable or do not agree on the potential impact of this missense change (SIFT: "Deleterious"; PolyPhen-2: "Probably Damaging"; Align-GVGD: "Class C0"). This variant has not been reported in the literature in individuals with PTCH2-related conditions. This variant is present in population databases (rs765314961, ExAC 0.002%).

NM_003738.5(PTCH2):c.3148C>T (p.Arg1050Trp)

Gene: PTCH2 (patched 2; minus strand). Cytogenetic location: 1p34.1.
Variant type: single nucleotide variant.
Coding change: c.3148C>T on transcript NM_003738.5 (MANE Select); coding-DNA position 3148, C replaced by T.
Protein change: p.Arg1050Trp; replaces arginine 1050 with tryptophan.
Molecular consequence: missense variant.
Genome position (GRCh38, 1-based): chr1:44,823,352, G>A on the plus strand (C>T on the coding strand, the complement: PTCH2 is on the minus strand). VCF-style: chr1-44823352-G-A. GRCh37 (hg19) VCF-style: chr1-45289024-G-A.
Other names: c.3148C>T, p.Arg1050Trp (NM_001166292.2); short protein forms R1050W.
Identifiers: ClinVar variation 943241 (VCV000943241.10), dbSNP rs765314961, ClinGen allele CA822785.